The following is an entry in ClinVar:

NM_000282.4(PCCA):c.1241T>C (p.Ile414Thr)

Gene: PCCA (propionyl-CoA carboxylase subunit alpha; plus strand). Cytogenetic location: 13q32.3.
Variant type: single nucleotide variant.
Coding change: c.1241T>C on transcript NM_000282.4 (MANE Select); coding-DNA position 1241, T replaced by C.
Protein change: p.Ile414Thr; replaces isoleucine 414 with threonine.
Molecular consequence: missense variant. On other transcripts: non-coding transcript variant (5).
Genome position (GRCh38, 1-based): chr13:100,302,955, T>C. VCF-style: chr13-100302955-T-C. GRCh37 (hg19) VCF-style: chr13-100955209-T-C.
Other names: c.1163T>C, p.Ile388Thr (NM_001127692.3, NM_001352607.2); c.1241T>C, p.Ile414Thr (NM_001178004.2, NM_001352605.2, NM_001352609.2); c.1097T>C, p.Ile366Thr (NM_001352606.2); c.1019T>C, p.Ile340Thr (NM_001352608.2); c.296T>C, p.Ile99Thr (NM_001352610.2, NM_001352611.2); c.152T>C, p.Ile51Thr (NM_001352612.2); short protein forms I340T, I366T, I388T, I414T, I51T, I99T.
Identifiers: ClinVar variation 1800995 (VCV001800995.1), dbSNP rs2548122913, ClinGen allele CA388695478.
Genomic context (GRCh38, chr13:100,302,955, plus strand): 5'-ACTGTGCTTCCTTTCCTTTGAACTTTCAGGACCCCTACAAGTCTTTTGGTTTACCATCTA[T>C]TGGGAGATTGTCTCAGTACCAAGAACCGTTACATCTACCTGGTGTAAGTCATTAAGCTGT-3'
Protein context (NP_000273.2, residues 404-424): DPYKSFGLPS[Ile414Thr]GRLSQYQEPL

ClinVar aggregate classification (germline): Uncertain significance (1 of 4 stars; one submission).

Allele frequency attached by ClinVar (database versions not stated): gnomAD exomes 0.00001.
gnomAD v4.1: 9 of 1,606,900 alleles (0.00056%); highest among the groups gnomAD compares: Non-Finnish European, 0.00077%; no homozygotes.

Submission:

GeneDx
Classification: Uncertain significance. Last evaluated: 2022-05-26. Review status: criteria provided, single submitter. Criteria: GeneDx Variant Classification Process June 2021. Collection method: clinical testing. Allele origin: germline. Affected: yes.
Comment: Not observed at significant frequency in large population cohorts (gnomAD); In silico analysis supports that this missense variant has a deleterious effect on protein structure/function; Has not been previously published as pathogenic or benign to our knowledge